The following is an entry in ClinVar:

ClinVar aggregate classification (germline): Pathogenic (1 of 4 stars; one submission).

Conditions:
Hereditary breast ovarian cancer syndrome. Also called: Breast and ovarian cancer; Hereditary breast and ovarian cancer syndrome; Hereditary breast and ovarian cancer syndrome (HBOC); BRCA1- and BRCA2-Associated Hereditary Breast and Ovarian Cancer; Hereditary breast and/or ovarian cancer syndrome; Hereditary breast and ovarian cancer. Identifiers: Orphanet 145, MedGen C0677776, MeSH D061325, MONDO:0003582. Disease mechanism: loss of function.

Submission:

Labcorp Genetics (formerly Invitae), Labcorp
Classification: Pathogenic for Hereditary breast ovarian cancer syndrome. Last evaluated: 2020-09-17. Review status: criteria provided, single submitter. Criteria: Invitae Variant Classification Sherloc (09022015). Collection method: clinical testing. Allele origin: germline.
Comment: This variant has not been reported in the literature in individuals with BRCA2-related conditions. This variant is not present in population databases (ExAC no frequency). This sequence change creates a premature translational stop signal (p.Ile2672Thrfs*4) in the BRCA2 gene. It is expected to result in an absent or disrupted protein product. Loss-of-function variants in BRCA2 are known to be pathogenic (PMID: 20104584). For these reasons, this variant has been classified as Pathogenic.

Literature cited by the submitters: PubMed 20104584.

NM_000059.4(BRCA2):c.8015_8016delinsC (p.Ile2672fs)

Gene: BRCA2 (BRCA2 DNA repair associated; plus strand). Cytogenetic location: 13q13.1.
Variant type: Indel.
Coding change: c.8015_8016delinsC on transcript NM_000059.4 (MANE Select); coding-DNA positions 8015 to 8016, TA replaced by C.
Protein change: p.Ile2672fs; shifts the reading frame from isoleucine 2672.
Molecular consequence: frameshift variant. On other transcripts: non-coding transcript variant (1).
Genome position (GRCh38, 1-based): chr13:32,363,217-32,363,218, TA replaced by C. VCF-style: chr13-32363217-TA-C. GRCh37 (hg19) VCF-style: chr13-32937354-TA-C.
Other names: c.7919_7920delinsC, p.Ile2640fs (NM_001406719.1); c.8015_8016delinsC, p.Ile2672fs (NM_001406720.1, NM_001432077.1); c.3083_3084delinsC, p.Ile1028fs (NM_001406721.1); c.1598_1599delinsC, p.Ile533fs (NM_001406722.1); short protein forms I2640fs, I2672fs, I1028fs, I533fs.
Identifiers: ClinVar variation 4775506 (VCV004775506.1).